The following is an entry in ClinVar:

ClinVar aggregate classification (germline): Uncertain significance. Review status: criteria provided, multiple submitters, no conflicts (2 of 4 stars). 3 submissions from 3 submitters: Uncertain significance (3). Last evaluated 2024-08-20.

Conditions:
Dilated cardiomyopathy 1AA (CMD1AA). Also called: CARDIOMYOPATHY, DILATED, 1AA, WITH OR WITHOUT LEFT VENTRICULAR NONCOMPACTION; CARDIOMYOPATHY, FAMILIAL HYPERTROPHIC, 23, WITH OR WITHOUT LEFT VENTRICULAR NONCOMPACTION; Cardiomyopathy, dilated, 1AA, with or without LVNC. Identifiers: Orphanet 154, MedGen C2677338, MONDO:0012808, OMIM 612158.
Primary familial hypertrophic cardiomyopathy (HCM). Identifiers: Orphanet 99739, MedGen C0949658, MeSH D024741, MONDO:0024573. Inheritance: Various modes of inheritance.
Cardiovascular phenotype. Identifiers: MedGen CN230736.

Allele frequency attached by ClinVar (database versions not stated): gnomAD exomes below 0.00001.
gnomAD v4.1: 4 of 1,614,114 alleles (0.00025%); highest among the groups gnomAD compares: Non-Finnish European, 0.00034%; no homozygotes.

Submissions (3):

Labcorp Genetics (formerly Invitae), Labcorp
Classification: Uncertain significance for Primary familial hypertrophic cardiomyopathy; Dilated cardiomyopathy 1AA. Last evaluated: 2024-08-20. Review status: criteria provided, single submitter. Criteria: Invitae Variant Classification Sherloc (09022015). Collection method: clinical testing. Allele origin: germline.
Comment: This sequence change replaces leucine, which is neutral and non-polar, with glutamine, which is neutral and polar, at codon 352 of the ACTN2 protein (p.Leu352Gln). This variant is present in population databases (no rsID available, gnomAD 0.002%). This variant has not been reported in the literature in individuals affected with ACTN2-related conditions. Invitae Evidence Modeling of protein sequence and biophysical properties (such as structural, functional, and spatial information, amino acid conservation, physicochemical variation, residue mobility, and thermodynamic stability) has been performed for this missense variant. However, the output from this modeling did not meet the statistical confidence thresholds required to predict the impact of this variant on ACTN2 protein function. In summary, the available evidence is currently insufficient to determine the role of this variant in disease. Therefore, it has been classified as a Variant of Uncertain Significance.

Ambry Genetics
Classification: Uncertain significance for Cardiovascular phenotype. Last evaluated: 2024-04-11. Review status: criteria provided, single submitter. Criteria: Ambry Variant Classification Scheme 2023. Collection method: clinical testing. Allele origin: germline.
Comment: The p.L352Q variant (also known as c.1055T>A), located in coding exon 10 of the ACTN2 gene, results from a T to A substitution at nucleotide position 1055. The leucine at codon 352 is replaced by glutamine, an amino acid with dissimilar properties. This amino acid position is conserved. In addition, this alteration is predicted to be deleterious by in silico analysis. Based on the available evidence, the clinical significance of this variant remains unclear.

Revvity Omics, Revvity
Classification: Uncertain significance. Last evaluated: 2023-06-22. Review status: criteria provided, single submitter. Criteria: ACMG Guidelines, 2015. Collection method: clinical testing. Allele origin: germline.

NM_001103.4(ACTN2):c.1055T>A (p.Leu352Gln)

Gene: ACTN2 (actinin alpha 2; plus strand). Cytogenetic location: 1q43.
Variant type: single nucleotide variant.
Coding change: c.1055T>A on transcript NM_001103.4 (MANE Select); coding-DNA position 1055, T replaced by A.
Protein change: p.Leu352Gln; replaces leucine 352 with glutamine.
Molecular consequence: missense variant. On other transcripts: non-coding transcript variant (1).
Genome position (GRCh38, 1-based): chr1:236,739,480, T>A. VCF-style: chr1-236739480-T-A. GRCh37 (hg19) VCF-style: chr1-236902780-T-A.
Other names: c.1055T>A, p.Leu352Gln (NM_001278343.2); c.431T>A, p.Leu144Gln (NM_001278344.2); c.305T>A, p.Leu102Gln (NM_001412150.1); c.1055T>A (NM_001103.2); short protein forms L102Q, L144Q, L352Q.
Identifiers: ClinVar variation 2690833 (VCV002690833.5), dbSNP rs1392451735, ClinGen allele CA345380770.